The following is an entry in ClinVar:

ClinVar aggregate classification (germline): Conflicting classifications of pathogenicity. Review status: criteria provided, conflicting classifications (1 of 4 stars). 4 submissions from 4 submitters: Uncertain significance (3); Likely benign (1). Last evaluated 2026-03-26.

Conditions:
NPC1-related disorder. Also called: NPC1-related condition.
Niemann-Pick disease, type C1. Also called: NIEMANN-PICK DISEASE, VARIANT TYPE C1; NEUROVISCERAL STORAGE DISEASE WITH VERTICAL SUPRANUCLEAR OPHTHALMOPLEGIA; NIEMANN-PICK DISEASE WITH CHOLESTEROL ESTERIFICATION BLOCK; NIEMANN-PICK DISEASE WITHOUT SPHINGOMYELINASE DEFICIENCY; NIEMANN-PICK DISEASE, CHRONIC NEURONOPATHIC FORM. Identifiers: Orphanet 646, MedGen C3179455, MONDO:0009757, OMIM 257220.
Inborn genetic diseases. Identifiers: MedGen C0950123, MeSH D030342.

Allele frequency attached by ClinVar (database versions not stated): gnomAD exomes 0.00001 and 0.00003; TOPMed 0.00001; ExAC 0.00003.
gnomAD v4.1: 22 of 1,612,974 alleles (0.0014%); highest among the groups gnomAD compares: Admixed American, 0.0067%; no homozygotes.

Submissions (4):

PreventionGenetics, part of Exact Sciences
Classification: Uncertain significance for NPC1-related condition. Last evaluated: 2026-03-26. Review status: criteria provided, single submitter. Criteria: ACMG Guidelines, 2015. Collection method: clinical testing. Allele origin: germline.
Comment: The NPC1 c.2614A>G variant is predicted to result in the amino acid substitution p.Met872Val. To our knowledge, this variant has not been reported in the literature. This variant is reported in 0.0058% of alleles in individuals of Latino descent in gnomAD. At this time, the clinical significance of this variant is uncertain due to the absence of conclusive functional and genetic evidence.

Ambry Genetics
Classification: Likely benign for Inborn genetic diseases. Last evaluated: 2024-05-03. Review status: criteria provided, single submitter. Criteria: Ambry Variant Classification Scheme 2023. Collection method: clinical testing. Allele origin: germline.

Labcorp Genetics (formerly Invitae), Labcorp
Classification: Uncertain significance for Niemann-Pick disease, type C1. Last evaluated: 2022-03-11. Review status: criteria provided, single submitter. Criteria: Invitae Variant Classification Sherloc (09022015). Collection method: clinical testing. Allele origin: germline.
Comment: This sequence change replaces methionine, which is neutral and non-polar, with valine, which is neutral and non-polar, at codon 872 of the NPC1 protein (p.Met872Val). This variant is present in population databases (rs769612789, gnomAD 0.006%). This variant has not been reported in the literature in individuals affected with NPC1-related conditions. ClinVar contains an entry for this variant (Variation ID: 891921). Advanced modeling of protein sequence and biophysical properties (such as structural, functional, and spatial information, amino acid conservation, physicochemical variation, residue mobility, and thermodynamic stability) performed at Invitae indicates that this missense variant is not expected to disrupt NPC1 protein function. In summary, the available evidence is currently insufficient to determine the role of this variant in disease. Therefore, it has been classified as a Variant of Uncertain Significance.

Illumina Laboratory Services, Illumina
Classification: Uncertain significance for Niemann-Pick disease type C1. Last evaluated: 2018-01-12. Review status: criteria provided, single submitter. Criteria: ICSL Variant Classification Criteria 13 December 2019. Collection method: clinical testing. Allele origin: germline.

NM_000271.5(NPC1):c.2614A>G (p.Met872Val)

Gene: NPC1 (NPC intracellular cholesterol transporter 1; minus strand). Cytogenetic location: 18q11.2.
Variant type: single nucleotide variant.
Coding change: c.2614A>G on transcript NM_000271.5 (MANE Select); coding-DNA position 2614, A replaced by G.
Protein change: p.Met872Val; replaces methionine 872 with valine.
Molecular consequence: missense variant.
Genome position (GRCh38, 1-based): chr18:23,539,992, T>C on the plus strand (A>G on the coding strand, the complement: NPC1 is on the minus strand). VCF-style: chr18-23539992-T-C. GRCh37 (hg19) VCF-style: chr18-21119956-T-C.
Other names: short protein forms M872V.
Identifiers: ClinVar variation 891921 (VCV000891921.7), dbSNP rs769612789, ClinGen allele CA8913012.
Genomic context (GRCh38, chr18:23,539,992, plus strand): 5'-CAAAGTACACAGGCGGACCCGCATGCAGGTACTGACTGATGGATTTGAAATAATCCACCA[T>C]GTAGGAGTCCTGAAAGAAAGATAAAAGAATAGGAGAGAGTGTGAACACTCTGATAGTAAC-3'
Protein context (NP_000262.2, residues 862-882): QSLSMPDDSY[Met872Val]VDYFKSISQY